The following is an entry in ClinVar:

NM_014915.3(ANKRD26):c.1231G>C (p.Gly411Arg)

Gene: ANKRD26 (ankyrin repeat domain containing 26; minus strand). Cytogenetic location: 10p12.1.
Variant type: single nucleotide variant.
Coding change: c.1231G>C on transcript NM_014915.3 (MANE Select); coding-DNA position 1231, G replaced by C.
Protein change: p.Gly411Arg; replaces glycine 411 with arginine.
Molecular consequence: missense variant.
Genome position (GRCh38, 1-based): chr10:27,066,525, C>G on the plus strand (G>C on the coding strand, the complement: ANKRD26 is on the minus strand). VCF-style: chr10-27066525-C-G. GRCh37 (hg19) VCF-style: chr10-27355454-C-G.
Other names: c.1231G>C, p.Gly411Arg (NM_001256053.2); short protein forms G411R.
Identifiers: ClinVar variation 3913551 (VCV003913551.1).

ClinVar aggregate classification (germline): Uncertain significance (1 of 4 stars; one submission).

Conditions:
Inborn genetic diseases. Identifiers: MedGen C0950123, MeSH D030342.

gnomAD v4.1: 14 of 1,600,632 alleles (0.00087%); highest among the groups gnomAD compares: Non-Finnish European, 0.0012%; no homozygotes.

Submission:

Ambry Genetics
Classification: Uncertain significance for Inborn genetic diseases. Last evaluated: 2025-04-03. Review status: criteria provided, single submitter. Criteria: Ambry Variant Classification Scheme 2023. Collection method: clinical testing. Allele origin: germline.
Comment: The p.G411R variant (also known as c.1231G>C), located in coding exon 11 of the ANKRD26 gene, results from a G to C substitution at nucleotide position 1231. The glycine at codon 411 is replaced by arginine, an amino acid with dissimilar properties. This amino acid position is conserved. In addition, this alteration is predicted to be tolerated by in silico analysis. Based on the available evidence, the clinical significance of this variant remains unclear.